The following is an entry in ClinVar:

ClinVar aggregate classification (germline): Uncertain significance. Review status: criteria provided, multiple submitters, no conflicts (2 of 4 stars). 3 submissions from 3 submitters: Uncertain significance (3). Last evaluated 2024-04-15.

Conditions:
Joubert syndrome 14 (JBTS14). Identifiers: MedGen C3280766, MONDO:0013745, OMIM 614424.

Allele frequency attached by ClinVar (database versions not stated): gnomAD exomes below 0.00001 and 0.00001; TOPMed below 0.00001; ExAC 0.00002.

Submissions (3):

Fulgent Genetics
Classification: Uncertain significance for Joubert syndrome 14. Last evaluated: 2024-04-15. Review status: criteria provided, single submitter. Criteria: ACMG Guidelines, 2015. Collection method: clinical testing. Allele origin: germline.

GeneDx
Classification: Uncertain significance. Last evaluated: 2023-01-19. Review status: criteria provided, single submitter. Criteria: GeneDx Variant Classification Process June 2021. Collection method: clinical testing. Allele origin: germline. Affected: yes.
Comment: Not observed at significant frequency in large population cohorts (gnomAD); In silico analysis supports that this missense variant does not alter protein structure/function; Has not been previously published as pathogenic or benign to our knowledge

Labcorp Genetics (formerly Invitae), Labcorp
Classification: Uncertain significance for Joubert syndrome 14. Last evaluated: 2021-05-01. Review status: criteria provided, single submitter. Criteria: Invitae Variant Classification Sherloc (09022015). Collection method: clinical testing. Allele origin: germline.
Comment: Algorithms developed to predict the effect of sequence changes on RNA splicing suggest that this variant may create or strengthen a splice site, but this prediction has not been confirmed by published transcriptional studies. In summary, the available evidence is currently insufficient to determine the role of this variant in disease. Therefore, it has been classified as a Variant of Uncertain Significance. Algorithms developed to predict the effect of missense changes on protein structure and function output the following: SIFT: "Tolerated"; PolyPhen-2: "Benign"; Align-GVGD: "Class C0". The serine amino acid residue is found in multiple mammalian species, suggesting that this missense change does not adversely affect protein function. These predictions have not been confirmed by published functional studies and their clinical significance is uncertain. This variant has not been reported in the literature in individuals with TMEM237-related conditions. This variant is present in population databases (rs750312169, ExAC 0.01%). This sequence change replaces asparagine with serine at codon 143 of the TMEM237 protein (p.Asn143Ser). The asparagine residue is highly conserved and there is a small physicochemical difference between asparagine and serine.

NM_001044385.3(TMEM237):c.428A>G (p.Asn143Ser)

Gene: TMEM237 (transmembrane protein 237; minus strand). Cytogenetic location: 2q33.1.
Variant type: single nucleotide variant.
Coding change: c.428A>G on transcript NM_001044385.3 (MANE Select); coding-DNA position 428, A replaced by G.
Protein change: p.Asn143Ser; replaces asparagine 143 with serine.
Molecular consequence: missense variant.
Genome position (GRCh38, 1-based): chr2:201,632,176, T>C on the plus strand (A>G on the coding strand, the complement: TMEM237 is on the minus strand). VCF-style: chr2-201632176-T-C. GRCh37 (hg19) VCF-style: chr2-202496899-T-C.
Other names: c.404A>G, p.Asn135Ser (NM_152388.4); c.428A>G (NM_001044385.2); short protein forms N135S, N143S.
Identifiers: ClinVar variation 1414022 (VCV001414022.10), dbSNP rs750312169, ClinGen allele CA2056477.